The following is an entry in ClinVar:

NM_152281.3(GORAB):c.-2C>T

Genes: GORAB (golgin, RAB6 interacting; plus strand), GORAB-AS1 (GORAB antisense RNA 1; minus strand). Cytogenetic location: 1q24.2.
Variant type: single nucleotide variant.
Coding change: c.-2C>T on transcript NM_152281.3 (MANE Select); 2 bases upstream of the start codon, C replaced by T.
Molecular consequence: 5 prime UTR variant. On other transcripts: non-coding transcript variant (1).
Genome position (GRCh38, 1-based): chr1:170,532,222, C>T. VCF-style: chr1-170532222-C-T. GRCh37 (hg19) VCF-style: chr1-170501363-C-T.
Other names: c.-2C>T (NM_001146039.2, NM_001410894.1); c.-767C>T (NM_001320252.2).
Identifiers: ClinVar variation 1981937 (VCV001981937.3), dbSNP rs1571232827, ClinGen allele CA343160175.

ClinVar aggregate classification (germline): Uncertain significance (1 of 4 stars; one submission).

Allele frequency attached by ClinVar (database versions not stated): gnomAD exomes below 0.00001.

Submission:

Labcorp Genetics (formerly Invitae), Labcorp
Classification: Uncertain significance. Last evaluated: 2024-08-19. Review status: criteria provided, single submitter. Criteria: Invitae Variant Classification Sherloc (09022015). Collection method: clinical testing. Allele origin: germline.
Comment: This sequence change replaces proline, which is neutral and non-polar, with leucine, which is neutral and non-polar, at codon 25 of the GORAB protein (p.Pro25Leu). This variant is not present in population databases (gnomAD no frequency). This variant has not been reported in the literature in individuals affected with GORAB-related conditions. ClinVar contains an entry for this variant (Variation ID: 1981937). An algorithm developed to predict the effect of missense changes on protein structure and function (PolyPhen-2) suggests that this variant is likely to be tolerated. In summary, the available evidence is currently insufficient to determine the role of this variant in disease. Therefore, it has been classified as a Variant of Uncertain Significance.